The following is an entry in ClinVar:

NM_000459.5(TEK):c.2712C>T (p.Tyr904=)

Gene: TEK (TEK receptor tyrosine kinase; plus strand). Cytogenetic location: 9p21.2.
Variant type: single nucleotide variant.
Coding change: c.2712C>T on transcript NM_000459.5 (MANE Select); coding-DNA position 2712, C replaced by T.
Protein change: p.Tyr904=; no amino-acid change (tyrosine 904 retained).
Molecular consequence: synonymous variant.
Genome position (GRCh38, 1-based): chr9:27,212,732, C>T. VCF-style: chr9-27212732-C-T. GRCh37 (hg19) VCF-style: chr9-27212730-C-T.
Other names: c.2580C>T, p.Tyr860= (NM_001375476.1); c.2583C>T, p.Tyr861= (NM_001290077.2); c.2268C>T, p.Tyr756= (NM_001290078.2); c.2709C>T, p.Tyr903= (NM_001375475.1).
Identifiers: ClinVar variation 3048737 (VCV003048737.3), dbSNP rs148059950, ClinGen allele CA5016574.

ClinVar aggregate classification (germline): Likely benign. Review status: criteria provided, single submitter (1 of 4 stars). 2 submissions from 2 submitters: Likely benign (1). 1 of the submissions does not count toward it. Last evaluated 2025-12-18.

Conditions:
TEK-related disorder. Also called: TEK-related condition.

Allele frequency attached by ClinVar (database versions not stated): ExAC 0.00002; gnomAD 0.00002; TOPMed 0.00002; 1000 Genomes Project 30x 0.00016; 1000 Genomes Project 0.00020.
gnomAD v4.1: 49 of 1,614,072 alleles (0.003%); highest among the groups gnomAD compares: Non-Finnish European, 0.0039%; no homozygotes.

Submissions (2):

Labcorp Genetics (formerly Invitae), Labcorp
Classification: Likely benign. Last evaluated: 2025-12-18. Review status: criteria provided, single submitter. Criteria: Invitae Variant Classification Sherloc (09022015). Collection method: clinical testing. Allele origin: germline.

PreventionGenetics, part of Exact Sciences
Classification: Likely benign for TEK-related condition. Last evaluated: 2019-11-26. Review status: no assertion criteria provided. Collection method: clinical testing. Allele origin: germline. Not counted in ClinVar's aggregate classification.
Comment: This variant is classified as likely benign based on ACMG/AMP sequence variant interpretation guidelines (Richards et al. 2015 PMID: 25741868, with internal and published modifications).